The following is an entry in ClinVar:

NM_182972.3(IRF2BP2):c.553C>G (p.Pro185Ala)

Gene: IRF2BP2 (interferon regulatory factor 2 binding protein 2; minus strand). Cytogenetic location: 1q42.3.
Variant type: single nucleotide variant.
Coding change: c.553C>G on transcript NM_182972.3 (MANE Select); coding-DNA position 553, C replaced by G.
Protein change: p.Pro185Ala; replaces proline 185 with alanine.
Molecular consequence: missense variant.
Genome position (GRCh38, 1-based): chr1:234,608,942, G>C on the plus strand (C>G on the coding strand, the complement: IRF2BP2 is on the minus strand). VCF-style: chr1-234608942-G-C. GRCh37 (hg19) VCF-style: chr1-234744688-G-C.
Other names: c.553C>G, p.Pro185Ala (NM_001077397.1); c.553C>G (NM_182972.2); short protein forms P185A.
Identifiers: ClinVar variation 1900973 (VCV001900973.6), dbSNP rs748975490, ClinGen allele CA1461819.

ClinVar aggregate classification (germline): Uncertain significance. Review status: criteria provided, multiple submitters, no conflicts (2 of 4 stars). 2 submissions from 2 submitters: Uncertain significance (2). Last evaluated 2025-06-22.

Allele frequency attached by ClinVar (database versions not stated): ExAC 0.00002.
gnomAD v4.1: 1 of 1,361,104 alleles (0.000073%); highest among the groups gnomAD compares: Admixed American, 0.0029%; no homozygotes.

Submissions (2):

Ambry Genetics
Classification: Uncertain significance. Last evaluated: 2025-06-22. Review status: criteria provided, single submitter. Criteria: Ambry Variant Classification Scheme 2023. Collection method: clinical testing. Allele origin: germline.

Labcorp Genetics (formerly Invitae), Labcorp
Classification: Uncertain significance. Last evaluated: 2025-01-18. Review status: criteria provided, single submitter. Criteria: Invitae Variant Classification Sherloc (09022015). Collection method: clinical testing. Allele origin: germline.
Comment: This sequence change replaces proline, which is neutral and non-polar, with alanine, which is neutral and non-polar, at codon 185 of the IRF2BP2 protein (p.Pro185Ala). The frequency data for this variant in the population databases is considered unreliable, as metrics indicate poor data quality at this position in the gnomAD database. This variant has not been reported in the literature in individuals affected with IRF2BP2-related conditions. ClinVar contains an entry for this variant (Variation ID: 1900973). An algorithm developed to predict the effect of missense changes on protein structure and function (PolyPhen-2) suggests that this variant is likely to be disruptive. In summary, the available evidence is currently insufficient to determine the role of this variant in disease. Therefore, it has been classified as a Variant of Uncertain Significance.